The following is an entry in ClinVar:

NM_005260.7(GDF9):c.1283G>C (p.Ser428Thr)

Gene: GDF9 (growth differentiation factor 9; minus strand). Cytogenetic location: 5q31.1.
Variant type: single nucleotide variant.
Coding change: c.1283G>C on transcript NM_005260.7 (MANE Select); coding-DNA position 1283, G replaced by C.
Protein change: p.Ser428Thr; replaces serine 428 with threonine.
Molecular consequence: missense variant.
Genome position (GRCh38, 1-based): chr5:132,861,671, C>G on the plus strand (G>C on the coding strand, the complement: GDF9 is on the minus strand). VCF-style: chr5-132861671-C-G. GRCh37 (hg19) VCF-style: chr5-132197363-C-G.
Other names: c.1019G>C, p.Ser340Thr (NM_001288824.4, NM_001288825.4, NM_001288826.3 and 2 more transcripts); c.1283G>C (NM_005260.6); short protein forms S340T, S428T.
Identifiers: ClinVar variation 1256000 (VCV001256000.5), dbSNP rs118080183, ClinGen allele CA3408135.

ClinVar aggregate classification (germline): Uncertain significance. Review status: criteria provided, single submitter (1 of 4 stars). 2 submissions from 2 submitters: Uncertain significance (1). 1 of the submissions does not count toward it.

Conditions:
Premature ovarian failure 14. Identifiers: MedGen C4693941, MONDO:0044777, OMIM 618014.
Genetic non-acquired premature ovarian failure. Identifiers: Orphanet 485382, MedGen C5925042.

Allele frequency attached by ClinVar (database versions not stated): gnomAD 0.00009 and 0.00014; gnomAD exomes 0.00011 and 0.00026; ExAC 0.00029; TOPMed 0.00031; 1000 Genomes Project 30x 0.00078; 1000 Genomes Project 0.00080.
gnomAD v4.1: 182 of 1,610,612 alleles (0.011%); highest among the groups gnomAD compares: East Asian, 0.38%; no homozygotes.

Submissions (2):

Juno Genomics, Hangzhou Juno Genomics, Inc
Classification: Uncertain significance for Premature ovarian failure 14. Review status: criteria provided, single submitter. Criteria: ACMG Guidelines, 2015. Collection method: clinical testing. Allele origin: germline.
Comment: Well-established in vitro or in vivo functional studies supportive of a damaging effect on the gene or gene product.

Center for Reproductive Medicine, Shandong Provincial Hospital Affiliated to Shandong University
Classification: Likely pathogenic for Genetic non-acquired premature ovarian failure. Last evaluated: 2019-10-01. Review status: no assertion criteria provided. Collection method: research. Allele origin: unknown. Affected: yes. Observed: 1 variant allele. Not counted in ClinVar's aggregate classification.